The following is an entry in ClinVar:

NM_002474.3(MYH11):c.5490C>A (p.Val1830=)

Genes: MYH11 (myosin heavy chain 11; minus strand), NDE1 (nudE neurodevelopment protein 1; plus strand). Cytogenetic location: 16p13.11.
Variant type: single nucleotide variant.
Coding change: c.5490C>A on transcript NM_002474.3 (MANE Select); coding-DNA position 5490, C replaced by A.
Protein change: p.Val1830=; no amino-acid change (valine 1830 retained).
Molecular consequence: synonymous variant. On other transcripts: intron variant (2).
Genome position (GRCh38, 1-based): chr16:15,717,154, G>T on the plus strand (C>A on the coding strand, the complement: MYH11 is on the minus strand). VCF-style: chr16-15717154-G-T. GRCh37 (hg19) VCF-style: chr16-15811011-G-T.
Other names: c.5511C>A, p.Val1837= (NM_001040113.2, NM_001040114.2); c.5490C>A, p.Val1830= (NM_022844.3); c.948-7037G>T (NM_001143979.2, NM_017668.3).
Identifiers: ClinVar variation 668174 (VCV000668174.10), dbSNP rs770582589, ClinGen allele CA494087617.

ClinVar aggregate classification (germline): Conflicting classifications of pathogenicity. Review status: criteria provided, conflicting classifications (1 of 4 stars). 3 submissions from 3 submitters: Uncertain significance (2); Likely benign (1). Last evaluated 2023-12-05.

Conditions:
Aortic aneurysm, familial thoracic 4 (AAT4). Also called: AORTIC ANEURYSM/AORTIC DISSECTION AND PATENT DUCTUS ARTERIOSUS. Identifiers: MedGen C1851504, MONDO:0007568, OMIM 132900.
Familial thoracic aortic aneurysm and aortic dissection (TAAD). Also called: Thoracic aortic aneurysms and dissections. Identifiers: Orphanet 91387, MedGen C4707243, MONDO:0019625.

gnomAD v4.1: 2 of 1,614,150 alleles (0.00012%); highest among the groups gnomAD compares: Non-Finnish European, 0.00017%; no homozygotes.

Submissions (3):

Color Diagnostics, LLC DBA Color Health
Classification: Uncertain significance for Familial thoracic aortic aneurysm and aortic dissection. Last evaluated: 2023-12-05. Review status: criteria provided, single submitter. Criteria: ACMG Guidelines, 2015. Collection method: clinical testing. Allele origin: germline.
Comment: Variant of Uncertain Significance due to insufficient evidence: This synonymous variant does not change the amino acid sequence of the MYH11 protein. However, computational splicing tools suggest that this variant may impact RNA splicing. To our knowledge, RNA assays have not been performed to investigate any functional impact. This variant has not been reported in individuals affected with cardiovascular disorders in the literature. This variant is rare in the general population and has been identified in 0/277264 chromosomes by the Genome Aggregation Database (gnomAD). Available evidence is insufficient to determine the pathogenicity of this variant conclusively.

Labcorp Genetics (formerly Invitae), Labcorp
Classification: Uncertain significance for Aortic aneurysm, familial thoracic 4. Last evaluated: 2022-06-22. Review status: criteria provided, single submitter. Criteria: Invitae Variant Classification Sherloc (09022015). Collection method: clinical testing. Allele origin: germline.
Comment: In summary, the available evidence is currently insufficient to determine the role of this variant in disease. Therefore, it has been classified as a Variant of Uncertain Significance. Algorithms developed to predict the effect of sequence changes on RNA splicing suggest that this variant may create or strengthen a splice site. ClinVar contains an entry for this variant (Variation ID: 668174). This variant has not been reported in the literature in individuals affected with MYH11-related conditions. This variant is not present in population databases (gnomAD no frequency). This sequence change affects codon 1837 of the MYH11 mRNA. It is a 'silent' change, meaning that it does not change the encoded amino acid sequence of the MYH11 protein.

GeneDx
Classification: Likely benign. Last evaluated: 2018-05-07. Review status: criteria provided, single submitter. Criteria: GeneDx Variant Classification (06012015). Collection method: clinical testing. Allele origin: germline. Affected: yes.
Comment: This variant is considered likely benign or benign based on one or more of the following criteria: it is a conservative change, it occurs at a poorly conserved position in the protein, it is predicted to be benign by multiple in silico algorithms, and/or has population frequency not consistent with disease.